The following is an entry in ClinVar:

ClinVar aggregate classification (germline): Uncertain significance. Review status: criteria provided, multiple submitters, no conflicts (2 of 4 stars). 5 submissions from 5 submitters: Uncertain significance (5). Last evaluated 2026-09-25.

Conditions:
Emery-Dreifuss muscular dystrophy 4, autosomal dominant (EDMD4). Also called: EMERY-DREIFUSS MUSCULAR DYSTROPHY 4 WITH VARIABLE FEATURES. Identifiers: Orphanet 261, MedGen C2751807, MONDO:0013071, OMIM 612998.
Autosomal recessive ataxia, Beauce type. Also called: ATAXIA, RECESSIVE, OF BEAUCE; SYNE1 Deficiency; SYNE1-Related Autosomal Recessive Cerebellar Ataxia; Spinocerebellar ataxia, autosomal recessive 8. Identifiers: Orphanet 88644, MedGen C1853116, MONDO:0012549, OMIM 610743.
SYNE1-related disorder. Also called: SYNE1-related disease; SYNE1-related condition; SYNE1-related disorders.

Allele frequency attached by ClinVar (database versions not stated): gnomAD 0.00001 and 0.00002; gnomAD exomes 0.00001 and 0.00004; ExAC 0.00002; TOPMed 0.00003.
gnomAD v4.1: 24 of 1,613,752 alleles (0.0015%); highest among the groups gnomAD compares: Middle Eastern, 0.016%; no homozygotes.

Submissions (5):

PreventionGenetics, part of Exact Sciences
Classification: Uncertain significance for SYNE1-related condition. Last evaluated: 2026-09-25. Review status: criteria provided, single submitter. Criteria: ACMG Guidelines, 2015. Collection method: clinical testing. Allele origin: germline.
Comment: The SYNE1 c.607A>G variant is predicted to result in the amino acid substitution p.Thr203Ala. To our knowledge, this variant has not been reported in the literature. This variant is reported in 0.017% of alleles in individuals of Latino descent in gnomAD. At this time, the clinical significance of this variant is uncertain due to the absence of conclusive functional and genetic evidence.

CeGaT Center for Human Genetics Tuebingen
Classification: Uncertain significance. Last evaluated: 2026-07-01. Review status: criteria provided, single submitter. Criteria: CeGaT Center For Human Genetics Tuebingen Variant Classification Criteria Version 2. Collection method: clinical testing. Allele origin: germline. Affected: yes. Observed: 2 variant alleles.
Comment: SYNE1: PM2, BP4

Labcorp Genetics (formerly Invitae), Labcorp
Classification: Uncertain significance for Emery-Dreifuss muscular dystrophy 4, autosomal dominant; Autosomal recessive ataxia, Beauce type. Last evaluated: 2026-01-02. Review status: criteria provided, single submitter. Criteria: Invitae Variant Classification Sherloc (09022015). Collection method: clinical testing. Allele origin: germline.
Comment: This sequence change replaces threonine, which is neutral and polar, with alanine, which is neutral and non-polar, at codon 203 of the SYNE1 protein (p.Thr203Ala). This variant is present in population databases (rs773890189, gnomAD 0.02%). This variant has not been reported in the literature in individuals affected with SYNE1-related conditions. ClinVar contains an entry for this variant (Variation ID: 964042). An algorithm developed to predict the effect of missense changes on protein structure and function outputs the following: PolyPhen-2: "Benign". The alanine amino acid residue is found in multiple mammalian species, which suggests that this missense change does not adversely affect protein function. In summary, the available evidence is currently insufficient to determine the role of this variant in disease. Therefore, it has been classified as a Variant of Uncertain Significance.

Mayo Clinic Laboratories, Mayo Clinic
Classification: Uncertain significance. Last evaluated: 2025-09-28. Review status: criteria provided, single submitter. Criteria: ACMG Guidelines, 2015. Collection method: clinical testing. Allele origin: germline. Observed: 1 variant allele.

Revvity Omics, Revvity
Classification: Uncertain significance. Last evaluated: 2023-01-27. Review status: criteria provided, single submitter. Criteria: ACMG Guidelines, 2015. Collection method: clinical testing. Allele origin: germline.

NM_182961.4(SYNE1):c.586A>G (p.Thr196Ala)

Gene: SYNE1 (spectrin repeat containing nuclear envelope protein 1; minus strand). Cytogenetic location: 6q25.2.
Variant type: single nucleotide variant.
Coding change: c.586A>G on transcript NM_182961.4 (MANE Select); coding-DNA position 586, A replaced by G.
Protein change: p.Thr196Ala; replaces threonine 196 with alanine.
Molecular consequence: missense variant.
Genome position (GRCh38, 1-based): chr6:152,505,393, T>C on the plus strand (A>G on the coding strand, the complement: SYNE1 is on the minus strand). VCF-style: chr6-152505393-T-C. GRCh37 (hg19) VCF-style: chr6-152826528-T-C.
Other names: p.Thr203Ala; c.607A>G, p.Thr203Ala (NM_033071.5); short protein forms T203A, T196A.
Identifiers: ClinVar variation 964042 (VCV000964042.13), dbSNP rs773890189, ClinGen allele CA4059672.